The following is an entry in ClinVar:

ClinVar aggregate classification (germline): Benign/Likely benign. Review status: criteria provided, multiple submitters, no conflicts (2 of 4 stars). 3 submissions from 3 submitters: Benign (1); Likely benign (2). Last evaluated 2025-04-27.

Conditions:
Papillary renal cell carcinoma type 1 (RCCP1). Also called: Renal adenocarcinoma; Renal cell carcinoma 1; Renal cell carcinoma, somatic; RENAL CELL CARCINOMA, PAPILLARY, 1, SOMATIC. Identifiers: Orphanet 47044, MedGen C1336839, OMIM 605074, HP:0011797.
Hereditary cancer-predisposing syndrome. Also called: Hereditary neoplastic syndrome; Neoplastic Syndromes, Hereditary; Tumor predisposition; Hereditary Cancer Syndrome. Identifiers: Orphanet 140162, MedGen C0027672, MeSH D009386, MONDO:0015356.
Renal cell carcinoma. Identifiers: Orphanet 217071, MedGen C0007134, MeSH D002292, MONDO:0005086, HP:0005584.

Allele frequency attached by ClinVar (database versions not stated): gnomAD exomes below 0.00001; gnomAD 0.00001.
gnomAD v4.1: 4 of 1,613,886 alleles (0.00025%); highest among the groups gnomAD compares: Non-Finnish European, 0.00034%; no homozygotes.

Submissions (3):

Labcorp Genetics (formerly Invitae), Labcorp
Classification: Likely benign for Renal cell carcinoma. Last evaluated: 2025-04-27. Review status: criteria provided, single submitter. Criteria: Invitae Variant Classification Sherloc (09022015). Collection method: clinical testing. Allele origin: germline.

Myriad Genetics, Inc.
Classification: Benign for Papillary renal cell carcinoma type 1. Last evaluated: 2024-11-13. Review status: criteria provided, single submitter. Criteria: Myriad Autosomal Dominant, Autosomal Recessive and X-Linked Classification Criteria (2023). Collection method: clinical testing. Allele origin: unknown.
Comment: This variant is considered benign. This variant is a silent/synonymous amino acid change and it is not expected to impact splicing.

Ambry Genetics
Classification: Likely benign for Hereditary cancer-predisposing syndrome. Last evaluated: 2024-07-08. Review status: criteria provided, single submitter. Criteria: Ambry Variant Classification Scheme 2023. Collection method: clinical testing. Allele origin: germline.

NM_000245.4(MET):c.3442C>A (p.Arg1148=)

Gene: MET (MET proto-oncogene, receptor tyrosine kinase; plus strand). Cytogenetic location: 7q31.2.
Variant type: single nucleotide variant.
Coding change: c.3442C>A on transcript NM_000245.4 (MANE Select); coding-DNA position 3442, C replaced by A.
Protein change: p.Arg1148=; no amino-acid change (arginine 1148 retained).
Molecular consequence: synonymous variant.
Genome position (GRCh38, 1-based): chr7:116,778,877, C>A. VCF-style: chr7-116778877-C-A. GRCh37 (hg19) VCF-style: chr7-116418931-C-A.
Other names: c.3496C>A, p.Arg1166= (NM_001127500.3); c.2152C>A, p.Arg718= (NM_001324402.2); c.3496C>A (NM_001127500.1).
Identifiers: ClinVar variation 1122297 (VCV001122297.11), dbSNP rs879254336, ClinGen allele CA457218921.
Genomic context (GRCh38, chr7:116,778,877, plus strand): 5'-GGAATCATCATGAAAGATTTTAGTCATCCCAATGTCCTCTCGCTCCTGGGAATCTGCCTG[C>A]GAAGTGAAGGGTCTCCGCTGGTGGTCCTACCATACATGAAACATGGAGATCTTCGAAATT-3'
Protein context (NP_000236.2, residues 1138-1158): NVLSLLGICL[Arg1148=]SEGSPLVVLP